The following is an entry in ClinVar:

NM_022081.6(HPS4):c.1258A>G (p.Thr420Ala)

Gene: HPS4 (HPS4 biogenesis of lysosomal organelles complex 3 subunit 2; minus strand). Cytogenetic location: 22q12.1.
Variant type: single nucleotide variant.
Coding change: c.1258A>G on transcript NM_022081.6 (MANE Select); coding-DNA position 1258, A replaced by G.
Protein change: p.Thr420Ala; replaces threonine 420 with alanine.
Molecular consequence: missense variant. On other transcripts: non-coding transcript variant (8).
Genome position (GRCh38, 1-based): chr22:26,464,372, T>C on the plus strand (A>G on the coding strand, the complement: HPS4 is on the minus strand). VCF-style: chr22-26464372-T-C. GRCh37 (hg19) VCF-style: chr22-26860338-T-C.
Other names: c.1258A>G, p.Thr420Ala (NM_001349896.1, NM_001349898.2, NM_001349899.2 and 5 more transcripts); c.1312A>G, p.Thr438Ala (NM_001349900.2, NM_001349901.1); c.1243A>G, p.Thr415Ala (NM_152841.2); short protein forms T415A, T438A, T420A.
Identifiers: ClinVar variation 2893193 (VCV002893193.4), dbSNP rs951352992, ClinGen allele CA322845451.

ClinVar aggregate classification (germline): Uncertain significance. Review status: criteria provided, multiple submitters, no conflicts (2 of 4 stars). 2 submissions from 2 submitters: Uncertain significance (2). Last evaluated 2026-02-03.

Allele frequency attached by ClinVar (database versions not stated): gnomAD exomes below 0.00001; gnomAD 0.00001; TOPMed 0.00002.
gnomAD v4.1: 7 of 1,614,068 alleles (0.00043%); highest among the groups gnomAD compares: Non-Finnish European, 0.00059%; no homozygotes.

Submissions (2):

Women's Health and Genetics/Laboratory Corporation of America, LabCorp
Classification: Uncertain significance. Last evaluated: 2026-02-03. Review status: criteria provided, single submitter. Criteria: LabCorp Variant Classification Summary - May 2015. Collection method: clinical testing. Allele origin: germline.
Comment: Variant summary: HPS4 c.1258A>G (p.Thr420Ala) results in a non-conservative amino acid change in the encoded protein sequence. Algorithms developed to predict the effect of missense changes on protein structure and function are either unavailable or do not agree on the potential impact of this missense change. The variant allele was found at a frequency of 4e-06 in 251384 control chromosomes. The available data on variant occurrences in the general population are insufficient to allow any conclusion about variant significance. To our knowledge, no occurrence of c.1258A>G in individuals affected with HPS4-related conditions and no experimental evidence demonstrating its impact on protein function have been reported. ClinVar contains an entry for this variant (Variation ID: 2893193). Based on the evidence outlined above, the variant was classified as uncertain significance.

Labcorp Genetics (formerly Invitae), Labcorp
Classification: Uncertain significance. Last evaluated: 2024-10-16. Review status: criteria provided, single submitter. Criteria: Invitae Variant Classification Sherloc (09022015). Collection method: clinical testing. Allele origin: germline.
Comment: This sequence change replaces threonine, which is neutral and polar, with alanine, which is neutral and non-polar, at codon 420 of the HPS4 protein (p.Thr420Ala). This variant is present in population databases (no rsID available, gnomAD 0.0009%). This variant has not been reported in the literature in individuals affected with HPS4-related conditions. An algorithm developed to predict the effect of missense changes on protein structure and function outputs the following: PolyPhen-2: "Benign". The alanine amino acid residue is found in multiple mammalian species, which suggests that this missense change does not adversely affect protein function. In summary, the available evidence is currently insufficient to determine the role of this variant in disease. Therefore, it has been classified as a Variant of Uncertain Significance.